The following is an entry in ClinVar:

NM_058004.4(PI4KA):c.1852C>T (p.Arg618Ter)

Gene: PI4KA (phosphatidylinositol 4-kinase alpha; minus strand). Cytogenetic location: 22q11.21.
Variant type: single nucleotide variant.
Coding change: c.1852C>T on transcript NM_058004.4 (MANE Select); coding-DNA position 1852, C replaced by T.
Protein change: p.Arg618Ter; replaces arginine 618 with a stop codon.
Molecular consequence: nonsense.
Genome position (GRCh38, 1-based): chr22:20,799,245, G>A on the plus strand (C>T on the coding strand, the complement: PI4KA is on the minus strand). VCF-style: chr22-20799245-G-A. GRCh37 (hg19) VCF-style: chr22-21153533-G-A.
Other names: p.R618X; c.1852C>T, p.Arg618Ter (NM_001362862.2); c.1786C>T, p.Arg596Ter (NM_001362863.2); c.1852C>T (NM_058004.3); short protein forms R596*, R618*.
Identifiers: ClinVar variation 1676320 (VCV001676320.10), dbSNP rs201395198, ClinGen allele CA10116317.
Genomic context (GRCh38, chr22:20,799,245, plus strand): 5'-GAATGGGCTCCATGACCTTCGGGGTGTCCCTCAAGGCCACCGCAATGTGTCCCAAGGCTC[G>A]GATTGTGTGGTCGGGAATCAAGTGAGCGTCCCTACAGAAGGAAGAACAGAAGCGCCCTAG-3'

ClinVar aggregate classification (germline): Likely pathogenic. Review status: criteria provided, multiple submitters, no conflicts (2 of 4 stars). 7 submissions from 7 submitters: Likely pathogenic (6). 1 of the submissions does not count toward it. Last evaluated 2025-03-03.

Conditions:
Polymicrogyria, perisylvian, with cerebellar hypoplasia and arthrogryposis (NEDSPLB). Identifiers: MedGen C4225295, MONDO:0014679, OMIM 616531.
Spastic paraplegia 84, autosomal recessive (SPG84). Identifiers: Orphanet 631079, MedGen C5562025, MONDO:0030482, OMIM 619621.
Gastrointestinal defects and immunodeficiency syndrome 2 (GIDID2). Also called: MULTIPLE INTESTINAL ATRESIA WITH OR WITHOUT LEUKOPENIA. Identifiers: MedGen C5676901, MONDO:0030669, OMIM 619708.
Phenylketonuria (PKU). Also called: FOLLING DISEASE; Phenylketonurias; OLIGOPHRENIA PHENYLPYRUVICA; Phenylketonuria (PKU). Identifiers: Orphanet 716, MedGen C0031485, MONDO:0009861, OMIM 261600. Disease mechanism: loss of function.
PI4KA-related disorder. Also called: PI4KA-related disorders; PI4KA-related condition. Identifiers: MedGen CN378147, MONDO:1040012.

gnomAD v4.1: 100 of 1,537,478 alleles (0.0065%); highest among the groups gnomAD compares: East Asian, 0.0023%; no homozygotes.

Submissions (7):

Revvity Omics, Revvity
Classification: Likely pathogenic. Last evaluated: 2025-03-03. Review status: criteria provided, single submitter. Criteria: ACMG Guidelines, 2015. Collection method: clinical testing. Allele origin: germline.

Blueprint Genetics
Classification: Likely pathogenic for PI4KA-related disorders. Last evaluated: 2024-11-12. Review status: criteria provided, single submitter. Criteria: ACMG Guidelines, 2015. Collection method: clinical testing. Allele origin: germline. Affected: yes. Observed: 4 variant alleles.

PreventionGenetics, part of Exact Sciences
Classification: Likely pathogenic for PI4KA-related condition. Last evaluated: 2023-12-04. Review status: criteria provided, single submitter. Criteria: ACMG Guidelines, 2015. Collection method: clinical testing. Allele origin: germline.
Comment: The PI4KA c.1852C>T variant is predicted to result in premature protein termination (p.Arg618*). This variant, along with another variant in PI4KA, was reported in an individual with a neurodevelopmental syndrome with hypomyelinating leukodystrophy (Supplemental Table 1, P5, Verdura et al. 2021. PubMed ID: 34415322). This variant is reported in 0.31% of alleles in individuals of Ashkenazi Jewish descent in gnomAD. Nonsense variants in PI4KA are expected to be pathogenic. This variant is interpreted as likely pathogenic.

Genetic Services Laboratory, University of Chicago
Classification: Likely pathogenic. Last evaluated: 2023-08-21. Review status: criteria provided, single submitter. Criteria: ACMG Guidelines, 2015. Collection method: clinical testing. Allele origin: germline. Affected: yes.
Comment: DNA sequence analysis of the PI4KA gene demonstrated a sequence change, c.1852C>T, which results in the creation of a premature stop codon at amino acid position 618, p.Arg618*. This pathogenic sequence change is predicted to result in an abnormal transcript, which may be degraded, or may lead to the production of a truncated PI4KA protein with potentially abnormal function. This sequence change has been described in the gnomAD database with a frequency of 0.3% in the Ashkenazi Jewish subpopulation and 0.01% in the overall population (dbSNP rs201395198). This pathogenic sequence change has previously been described in the compound heterozygous state in an individual with neurodevelopmental disorder with spasticity, hypomyelinating leukodystrophy, and brain abnormalities (PMID: 34415322). Collectively, this evidence indicates that this sequence change is likely pathogenic.

Department of Pathology and Laboratory Medicine, Sinai Health System
Classification: Likely pathogenic for Spastic paraplegia 84, autosomal recessive; Polymicrogyria, perisylvian, with cerebellar hypoplasia and arthrogryposis; Gastrointestinal defects and immunodeficiency syndrome 2. Last evaluated: 2023-03-09. Review status: criteria provided, single submitter. Criteria: ACMG Guidelines, 2015. Collection method: research. Allele origin: germline.

Dasa
Classification: Likely pathogenic for Spastic paraplegia 84, autosomal recessive. Last evaluated: 2022-04-10. Review status: criteria provided, single submitter. Criteria: ACMG Guidelines, 2015. Collection method: clinical testing. Allele origin: germline. Affected: yes. Observed: 1 variant allele.
Comment: The c.1852C>T;p.(Arg618)* variant creates a premature translational stop signal in the PI4KA gene. It is expected to result in an absent or disrupted protein product -PVS1. The variant is present at low allele frequencies population databases (rs201395198 – gnomAD 0.001006%; ABraOM no frequency) - PM2_supporting. In summary, the currently available evidence indicates that the variant is likely pathogenic

Undiagnosed Diseases Network, NIH
Classification: Uncertain significance for Phenylketonuria. Last evaluated: 2022-11-29. Review status: no assertion criteria provided. Collection method: clinical testing. Allele origin: paternal. Affected: yes. Observed: 1 variant allele, 1 compound heterozygote. Not counted in ClinVar's aggregate classification.